The following is an entry in ClinVar:

ClinVar aggregate classification (germline): Uncertain significance. Review status: criteria provided, multiple submitters, no conflicts (2 of 4 stars). 2 submissions from 2 submitters: Uncertain significance (2). Last evaluated 2025-12-16.

Conditions:
Inborn genetic diseases. Identifiers: MedGen C0950123, MeSH D030342.

Submissions (2):

Ambry Genetics
Classification: Uncertain significance for Inborn genetic diseases. Last evaluated: 2025-12-16. Review status: criteria provided, single submitter. Criteria: Ambry Variant Classification Scheme 2023. Collection method: clinical testing. Allele origin: germline.

Labcorp Genetics (formerly Invitae), Labcorp
Classification: Uncertain significance. Last evaluated: 2024-02-24. Review status: criteria provided, single submitter. Criteria: Invitae Variant Classification Sherloc (09022015). Collection method: clinical testing. Allele origin: germline.
Comment: This sequence change replaces glycine, which is neutral and non-polar, with cysteine, which is neutral and slightly polar, at codon 53 of the ADAMTS18 protein (p.Gly53Cys). This variant is not present in population databases (gnomAD no frequency). This variant has not been reported in the literature in individuals affected with ADAMTS18-related conditions. ClinVar contains an entry for this variant (Variation ID: 843263). An algorithm developed to predict the effect of missense changes on protein structure and function (PolyPhen-2) suggests that this variant is likely to be disruptive. In summary, the available evidence is currently insufficient to determine the role of this variant in disease. Therefore, it has been classified as a Variant of Uncertain Significance.

NM_199355.4(ADAMTS18):c.157G>T (p.Gly53Cys)

Gene: ADAMTS18 (ADAM metallopeptidase with thrombospondin type 1 motif 18; minus strand). Cytogenetic location: 16q23.1.
Variant type: single nucleotide variant.
Coding change: c.157G>T on transcript NM_199355.4 (MANE Select); coding-DNA position 157, G replaced by T.
Protein change: p.Gly53Cys; replaces glycine 53 with cysteine.
Molecular consequence: missense variant. On other transcripts: 5 prime UTR variant (1).
Genome position (GRCh38, 1-based): chr16:77,434,439, C>A on the plus strand (G>T on the coding strand, the complement: ADAMTS18 is on the minus strand). VCF-style: chr16-77434439-C-A. GRCh37 (hg19) VCF-style: chr16-77468336-C-A.
Other names: c.-364G>T (NM_001326358.2); c.157G>T (NM_199355.2); short protein forms G53C.
Identifiers: ClinVar variation 843263 (VCV000843263.9), dbSNP rs1428931357, ClinGen allele CA396851700.